The following is an entry in ClinVar:

NM_015378.4(VPS13D):c.9857T>C (p.Leu3286Pro)

Gene: VPS13D (vacuolar protein sorting 13 homolog D; plus strand). Cytogenetic location: 1p36.22.
Variant type: single nucleotide variant.
Coding change: c.9857T>C on transcript NM_015378.4 (MANE Select); coding-DNA position 9857, T replaced by C.
Protein change: p.Leu3286Pro; replaces leucine 3286 with proline.
Molecular consequence: missense variant.
Genome position (GRCh38, 1-based): chr1:12,356,076, T>C. VCF-style: chr1-12356076-T-C. GRCh37 (hg19) VCF-style: chr1-12416133-T-C.
Other names: c.9782T>C, p.Leu3261Pro (NM_018156.4); short protein forms L3261P, L3286P.
Identifiers: ClinVar variation 3665665 (VCV003665665.2).
Genomic context (GRCh38, chr1:12,356,076, plus strand): 5'-TCCGGATTGTGTGTCGAGCAGAAGGATCCTTAAAGATCTTCATTTCTGCTCCATATTGGC[T>C]GATTAACAAAACAGGTACATACAGGGGCTGCTCAAGTAGGTCTTTGGCGTTAGTCATGGG-3'
Protein context (NP_056193.2, residues 3276-3296): LKIFISAPYW[Leu3286Pro]INKTGLPLIF

ClinVar aggregate classification (germline): Uncertain significance (1 of 4 stars; one submission).

Submission:

Labcorp Genetics (formerly Invitae), Labcorp
Classification: Uncertain significance. Last evaluated: 2024-12-12. Review status: criteria provided, single submitter. Criteria: Invitae Variant Classification Sherloc (09022015). Collection method: clinical testing. Allele origin: germline.
Comment: This sequence change replaces leucine, which is neutral and non-polar, with proline, which is neutral and non-polar, at codon 3286 of the VPS13D protein (p.Leu3286Pro). This variant is not present in population databases (gnomAD no frequency). This variant has not been reported in the literature in individuals affected with VPS13D-related conditions. Invitae Evidence Modeling of protein sequence and biophysical properties (such as structural, functional, and spatial information, amino acid conservation, physicochemical variation, residue mobility, and thermodynamic stability) indicates that this missense variant is expected to disrupt VPS13D protein function with a positive predictive value of 80%. In summary, the available evidence is currently insufficient to determine the role of this variant in disease. Therefore, it has been classified as a Variant of Uncertain Significance.